The following is an entry in ClinVar:

ClinVar aggregate classification (germline): Uncertain significance (1 of 4 stars; one submission).

Conditions:
3-hydroxyisobutyryl-CoA hydrolase deficiency. Also called: HIBCH DEFICIENCY; METHACRYLIC ACID TOXICITY; METHACRYLIC ACIDURIA; Reduced circulating 3-hydroxyisobutyryl-CoA hydrolase activity; Deficiency of 3-hydroxyisobutyryl CoA hydrolase; VALINE METABOLIC DEFECT. Identifiers: Orphanet 88639, MedGen C0342738, MONDO:0009603, OMIM 250620, HP:6000215.

Allele frequency attached by ClinVar (database versions not stated): gnomAD exomes below 0.00001; TOPMed below 0.00001; ESP Exome Variant Server 0.00008.
gnomAD v4.1: 2 of 1,610,138 alleles (0.00012%); highest among the groups gnomAD compares: Non-Finnish European, 0.00017%; no homozygotes.

Submission:

Labcorp Genetics (formerly Invitae), Labcorp
Classification: Uncertain significance for 3-hydroxyisobutyryl-CoA hydrolase deficiency. Last evaluated: 2022-02-22. Review status: criteria provided, single submitter. Criteria: Invitae Variant Classification Sherloc (09022015). Collection method: clinical testing. Allele origin: germline.
Comment: Algorithms developed to predict the effect of missense changes on protein structure and function (SIFT, PolyPhen-2, Align-GVGD) all suggest that this variant is likely to be tolerated. In summary, the available evidence is currently insufficient to determine the role of this variant in disease. Therefore, it has been classified as a Variant of Uncertain Significance. This variant has not been reported in the literature in individuals affected with HIBCH-related conditions. This sequence change replaces threonine, which is neutral and polar, with serine, which is neutral and polar, at codon 19 of the HIBCH protein (p.Thr19Ser). This variant is present in population databases (rs150533934, gnomAD 0.0009%).

NM_014362.4(HIBCH):c.56C>G (p.Thr19Ser)

Gene: HIBCH (3-hydroxyisobutyryl-CoA hydrolase; minus strand). Cytogenetic location: 2q32.2.
Variant type: single nucleotide variant.
Coding change: c.56C>G on transcript NM_014362.4 (MANE Select); coding-DNA position 56, C replaced by G.
Protein change: p.Thr19Ser; replaces threonine 19 with serine.
Molecular consequence: missense variant.
Genome position (GRCh38, 1-based): chr2:190,310,776, G>C on the plus strand (C>G on the coding strand, the complement: HIBCH is on the minus strand). VCF-style: chr2-190310776-G-C. GRCh37 (hg19) VCF-style: chr2-191175502-G-C.
Other names: c.56C>G, p.Thr19Ser (NM_198047.3); short protein forms T19S.
Identifiers: ClinVar variation 2101829 (VCV002101829.3), dbSNP rs150533934, ClinGen allele CA2027801.